The following is an entry in ClinVar:

NM_000165.5(GJA1):c.461_465dup (p.Ile156fs)

Gene: GJA1 (gap junction protein alpha 1; plus strand). Cytogenetic location: 6q22.31.
Variant type: Duplication.
Coding change: c.461_465dup on transcript NM_000165.5 (MANE Select); coding-DNA positions 461 to 465, 5 bases duplicated (CCTAC; older notation c.461_465dupCCTAC).
Protein change: p.Ile156fs; shifts the reading frame from isoleucine 156.
Molecular consequence: frameshift variant.
Genome position (GRCh38, 1-based): chr6:121,447,308-121,447,312, CCTAC duplicated. VCF-style (leftmost placement, unchanged base first): chr6-121447307-A-ACCTAC. GRCh37 (hg19) VCF-style: chr6-121768453-A-ACCTAC.
Other names: short protein forms I156fs.
Identifiers: ClinVar variation 3722085 (VCV003722085.2).

ClinVar aggregate classification (germline): Uncertain significance (1 of 4 stars; one submission).

Conditions:
Oculodentodigital dysplasia, autosomal recessive. Also called: OCULODENTOOSSEOUS DYSPLASIA, AUTOSOMAL RECESSIVE; ODDD, AUTOSOMAL RECESSIVE; ODOD, AUTOSOMAL RECESSIVE. Identifiers: Orphanet 2710, MedGen C2749477, MONDO:0009768, OMIM 257850.

Submission:

Labcorp Genetics (formerly Invitae), Labcorp
Classification: Uncertain significance for Oculodentodigital dysplasia, autosomal recessive. Last evaluated: 2024-10-02. Review status: criteria provided, single submitter. Criteria: Invitae Variant Classification Sherloc (09022015). Collection method: clinical testing. Allele origin: germline.
Comment: This sequence change creates a premature translational stop signal (p.Ile156Profs*18) in the GJA1 gene. While this is not anticipated to result in nonsense mediated decay, it is expected to disrupt the last 227 amino acid(s) of the GJA1 protein. This variant is not present in population databases (gnomAD no frequency). This variant has not been reported in the literature in individuals affected with GJA1-related conditions. Algorithms developed to predict the effect of sequence changes on RNA splicing suggest that this variant may create or strengthen a splice site. This variant disrupts a region of the GJA1 protein in which other variant(s) (p.Arg189Glufs*35) have been observed in individuals with GJA1-related conditions (internal data). This suggests that this is a clinically significant region of the protein, and that variants that disrupt it are likely to be disease-causing. In summary, the available evidence is currently insufficient to determine the role of this variant in disease. Therefore, it has been classified as a Variant of Uncertain Significance.